The following is an entry in ClinVar:

ClinVar aggregate classification (germline): Uncertain significance. Review status: criteria provided, multiple submitters, no conflicts (2 of 4 stars). 2 submissions from 2 submitters: Uncertain significance (2). Last evaluated 2021-11-17.

Conditions:
Familial melanoma. Also called: Hereditary melanoma; Hereditary cutaneous melanoma. Identifiers: Orphanet 618, MedGen C1512419, MONDO:0018961.
Hereditary cancer-predisposing syndrome. Also called: Tumor predisposition; Neoplastic Syndromes, Hereditary; Hereditary Cancer Syndrome; Hereditary neoplastic syndrome. Identifiers: Orphanet 140162, MedGen C0027672, MeSH D009386, MONDO:0015356.

Submissions (2):

Labcorp Genetics (formerly Invitae), Labcorp
Classification: Uncertain significance for Familial melanoma. Last evaluated: 2021-11-17. Review status: criteria provided, single submitter. Criteria: Invitae Variant Classification Sherloc (09022015). Collection method: clinical testing. Allele origin: germline.
Comment: This sequence change replaces glycine, which is neutral and non-polar, with arginine, which is basic and polar, at codon 16 of the CDKN2A (p14ARF) protein (p.Gly16Arg). This variant is not present in population databases (gnomAD no frequency). This variant has not been reported in the literature in individuals affected with CDKN2A (p14ARF)-related conditions. Algorithms developed to predict the effect of missense changes on protein structure and function output the following: SIFT: "Tolerated"; PolyPhen-2: "Probably Damaging"; Align-GVGD: "Class C0". The arginine amino acid residue is found in multiple mammalian species, which suggests that this missense change does not adversely affect protein function. In summary, the available evidence is currently insufficient to determine the role of this variant in disease. Therefore, it has been classified as a Variant of Uncertain Significance.

Ambry Genetics
Classification: Uncertain significance for Hereditary cancer-predisposing syndrome. Last evaluated: 2020-07-09. Review status: criteria provided, single submitter. Criteria: Ambry Variant Classification Scheme 2023. Collection method: clinical testing. Allele origin: germline.
Comment: The p.G16R variant (also known as c.46G>C), located in coding exon 1 of the CDKN2A gene, results from a G to C substitution at nucleotide position 46. The glycine at codon 16 is replaced by arginine, an amino acid with dissimilar properties. This amino acid position is well conserved in available vertebrate species. In addition, this alteration is predicted to be tolerated by in silico analysis. Since supporting evidence is limited at this time, the clinical significance of this alteration remains unclear.

NM_058195.4(CDKN2A):c.46G>C (p.Gly16Arg)

Gene: CDKN2A (cyclin dependent kinase inhibitor 2A; minus strand). Cytogenetic location: 9p21.3.
Variant type: single nucleotide variant.
Coding change: c.46G>C on transcript NM_058195.4 (MANE Plus Clinical); coding-DNA position 46, G replaced by C.
Protein change: p.Gly16Arg; replaces glycine 16 with arginine.
Molecular consequence: missense variant. On other transcripts: intron variant (1).
Genome position (GRCh38, 1-based): chr9:21,994,286, C>G on the plus strand (G>C on the coding strand, the complement: CDKN2A is on the minus strand). VCF-style: chr9-21994286-C-G. GRCh37 (hg19) VCF-style: chr9-21994285-C-G.
Other names: c.-4+535G>C (NM_001363763.2); short protein forms G16R.
Identifiers: ClinVar variation 1394246 (VCV001394246.4), dbSNP rs773459232, ClinGen allele CA373087049.